The following is an entry in ClinVar:

ClinVar aggregate classification (germline): Uncertain significance (1 of 4 stars; one submission).

Submission:

GeneDx
Classification: Uncertain significance. Last evaluated: 2024-12-09. Review status: criteria provided, single submitter. Criteria: GeneDx Variant Classification Process June 2021. Collection method: clinical testing. Allele origin: germline. Affected: yes.
Comment: Not observed at significant frequency in large population cohorts (gnomAD); In silico analysis indicates that this missense variant does not alter protein structure/function; Has not been previously published as pathogenic or benign to our knowledge

NM_003482.4(KMT2D):c.3104A>C (p.Gln1035Pro)

Gene: KMT2D (lysine methyltransferase 2D; minus strand). Cytogenetic location: 12q13.12.
Variant type: single nucleotide variant.
Coding change: c.3104A>C on transcript NM_003482.4 (MANE Select); coding-DNA position 3104, A replaced by C.
Protein change: p.Gln1035Pro; replaces glutamine 1035 with proline.
Molecular consequence: missense variant.
Genome position (GRCh38, 1-based): chr12:49,050,484, T>G on the plus strand (A>C on the coding strand, the complement: KMT2D is on the minus strand). VCF-style: chr12-49050484-T-G. GRCh37 (hg19) VCF-style: chr12-49444267-T-G.
Other names: short protein forms Q1035P.
Identifiers: ClinVar variation 3902841 (VCV003902841.1).